The following is an entry in ClinVar:

NM_016302.4(CRBN):c.29C>G (p.Ala10Gly)

Gene: CRBN (cereblon; minus strand). Cytogenetic location: 3p26.2.
Variant type: single nucleotide variant.
Coding change: c.29C>G on transcript NM_016302.4 (MANE Select); coding-DNA position 29, C replaced by G.
Protein change: p.Ala10Gly; replaces alanine 10 with glycine.
Molecular consequence: missense variant.
Genome position (GRCh38, 1-based): chr3:3,179,659, G>C on the plus strand (C>G on the coding strand, the complement: CRBN is on the minus strand). VCF-style: chr3-3179659-G-C. GRCh37 (hg19) VCF-style: chr3-3221343-G-C.
Other names: c.29C>G, p.Ala10Gly (NM_001173482.1); short protein forms A10G.
Identifiers: ClinVar variation 1032730 (VCV001032730.1), dbSNP rs137880766, ClinGen allele CA2229429.

ClinVar aggregate classification (germline): Uncertain significance (1 of 4 stars; one submission).

Conditions:
Intellectual developmental disorder, autosomal recessive 2. Also called: MENTAL RETARDATION, AUTOSOMAL RECESSIVE 2A; Intellectual disability, autosomal recessive 2. Identifiers: Orphanet 88616, MedGen C1843942, MONDO:0011828, OMIM 607417.

gnomAD v4.1: 7 of 1,613,162 alleles (0.00043%); highest among the groups gnomAD compares: Non-Finnish European, 0.00059%; no homozygotes.

Submission:

Baylor Genetics
Classification: Uncertain significance for Intellectual developmental disorder, autosomal recessive 2. Last evaluated: 2018-03-01. Review status: criteria provided, single submitter. Criteria: ACMG Guidelines, 2015. Collection method: clinical testing. Allele origin: unknown. Affected: yes.
Comment: This variant was determined to be of uncertain significance according to ACMG Guidelines, 2015 [PMID:25741868].